The following is an entry in ClinVar:

NM_001165963.4(SCN1A):c.5324T>C (p.Leu1775Pro)

Genes: SCN1A (sodium voltage-gated channel alpha subunit 1; minus strand), LOC102724058 (uncharacterized LOC102724058; plus strand). Cytogenetic location: 2q24.3.
Variant type: single nucleotide variant.
Coding change: c.5324T>C on transcript NM_001165963.4 (MANE Select); coding-DNA position 5324, T replaced by C.
Protein change: p.Leu1775Pro; replaces leucine 1775 with proline.
Molecular consequence: missense variant. On other transcripts: non-coding transcript variant (1).
Genome position (GRCh38, 1-based): chr2:165,991,951, A>G on the plus strand (T>C on the coding strand, the complement: SCN1A is on the minus strand). VCF-style: chr2-165991951-A-G. GRCh37 (hg19) VCF-style: chr2-166848461-A-G.
Other names: c.5240T>C, p.Leu1747Pro (NM_001165964.3, NM_001353957.2, NM_001353958.2); c.5324T>C, p.Leu1775Pro (NM_001202435.3, NM_001353948.2); c.5291T>C, p.Leu1764Pro (NM_001353949.2, NM_001353950.2, NM_001353951.2 and 2 more transcripts); c.5288T>C, p.Leu1763Pro (NM_001353954.2, NM_001353955.2); c.5237T>C, p.Leu1746Pro (NM_001353960.2); c.2882T>C, p.Leu961Pro (NM_001353961.2); short protein forms L1746P, L1747P, L1763P, L1764P, L1775P, L961P.
Identifiers: ClinVar variation 1057583 (VCV001057583.10), dbSNP rs2105429381, ClinGen allele CA349068163.

ClinVar aggregate classification (germline): Pathogenic (1 of 4 stars; one submission).

Conditions:
Early-infantile DEE. Also called: Ohtahara syndrome; Early infantile epileptic encephalopathy with suppression bursts; Early infantile epileptic encephalopathy. Identifiers: Orphanet 1934, MedGen C0393706, MONDO:0800491.

Submission:

Labcorp Genetics (formerly Invitae), Labcorp
Classification: Pathogenic for Early-infantile DEE. Last evaluated: 2024-02-23. Review status: criteria provided, single submitter. Criteria: Invitae Variant Classification Sherloc (09022015). Collection method: clinical testing. Allele origin: germline.
Comment: This sequence change replaces leucine, which is neutral and non-polar, with proline, which is neutral and non-polar, at codon 1775 of the SCN1A protein (p.Leu1775Pro). This variant is not present in population databases (gnomAD no frequency). This missense change has been observed in individual(s) with Dravet syndrome (PMID: 28525652, 31864146). In at least one individual the variant was observed to be de novo. ClinVar contains an entry for this variant (Variation ID: 1057583). Advanced modeling of protein sequence and biophysical properties (such as structural, functional, and spatial information, amino acid conservation, physicochemical variation, residue mobility, and thermodynamic stability) performed at Invitae indicates that this missense variant is expected to disrupt SCN1A protein function with a positive predictive value of 95%. For these reasons, this variant has been classified as Pathogenic.

Literature cited by the submitters: PubMed 28525652; PubMed 31864146.